The following is an entry in ClinVar:

ClinVar aggregate classification (germline): Uncertain significance (1 of 4 stars; one submission).

Conditions:
RASopathy. Also called: Noonan spectrum disorder; rasopathies. Identifiers: Orphanet 536391, MedGen C5555857, MONDO:0021060.

Allele frequency attached by ClinVar (database versions not stated): gnomAD exomes below 0.00001.

Submission:

Labcorp Genetics (formerly Invitae), Labcorp
Classification: Uncertain significance for RASopathy. Last evaluated: 2023-02-27. Review status: criteria provided, single submitter. Criteria: Invitae Variant Classification Sherloc (09022015). Collection method: clinical testing. Allele origin: germline.
Comment: This sequence change replaces proline, which is neutral and non-polar, with serine, which is neutral and polar, at codon 395 of the CBL protein (p.Pro395Ser). This variant is not present in population databases (gnomAD no frequency). This variant has not been reported in the literature in individuals affected with CBL-related conditions. Advanced modeling of protein sequence and biophysical properties (such as structural, functional, and spatial information, amino acid conservation, physicochemical variation, residue mobility, and thermodynamic stability) performed at Invitae indicates that this missense variant is expected to disrupt CBL protein function. In summary, the available evidence is currently insufficient to determine the role of this variant in disease. Therefore, it has been classified as a Variant of Uncertain Significance.

NM_005188.4(CBL):c.1183C>T (p.Pro395Ser)

Gene: CBL (Cbl proto-oncogene; plus strand). Cytogenetic location: 11q23.3.
Variant type: single nucleotide variant.
Coding change: c.1183C>T on transcript NM_005188.4 (MANE Select); coding-DNA position 1183, C replaced by T.
Protein change: p.Pro395Ser; replaces proline 395 with serine.
Molecular consequence: missense variant.
Genome position (GRCh38, 1-based): chr11:119,278,253, C>T. VCF-style: chr11-119278253-C-T. GRCh37 (hg19) VCF-style: chr11-119148963-C-T.
Other names: short protein forms P395S.
Identifiers: ClinVar variation 2841447 (VCV002841447.3), dbSNP rs2135303809, ClinGen allele CA382912704.